The following is an entry in ClinVar:

NM_177438.3(DICER1):c.1328G>A (p.Cys443Tyr)

Gene: DICER1 (dicer 1, ribonuclease III; minus strand). Cytogenetic location: 14q32.13.
Variant type: single nucleotide variant.
Coding change: c.1328G>A on transcript NM_177438.3 (MANE Select); coding-DNA position 1328, G replaced by A.
Protein change: p.Cys443Tyr; replaces cysteine 443 with tyrosine.
Molecular consequence: missense variant. On other transcripts: 5 prime UTR variant (1), non-coding transcript variant (6).
Genome position (GRCh38, 1-based): chr14:95,124,244, C>T on the plus strand (G>A on the coding strand, the complement: DICER1 is on the minus strand). VCF-style: chr14-95124244-C-T. GRCh37 (hg19) VCF-style: chr14-95590581-C-T.
Other names: c.1328G>A, p.Cys443Tyr (NM_001195573.1, NM_001271282.3, NM_001291628.2 and 14 more transcripts); c.1046G>A, p.Cys349Tyr (NM_001395686.1); c.923G>A, p.Cys308Tyr (NM_001395687.1, NM_001395688.1, NM_001395689.1 and 3 more transcripts); c.761G>A, p.Cys254Tyr (NM_001395691.1); c.-241G>A (NM_001395697.1); short protein forms C308Y, C254Y, C349Y, C443Y.
Identifiers: ClinVar variation 5035274 (VCV005035274.1).

ClinVar aggregate classification (germline): Uncertain significance (1 of 4 stars; one submission).

Conditions:
Hereditary cancer-predisposing syndrome. Also called: Hereditary Cancer Syndrome; Neoplastic Syndromes, Hereditary; Tumor predisposition; Hereditary neoplastic syndrome. Identifiers: Orphanet 140162, MedGen C0027672, MeSH D009386, MONDO:0015356.

gnomAD v4.1: 3 of 1,613,962 alleles (0.00019%); highest among the groups gnomAD compares: Non-Finnish European, 0.00025%; no homozygotes.

Submission:

Ambry Genetics
Classification: Uncertain significance for Hereditary cancer-predisposing syndrome. Last evaluated: 2026-07-07. Review status: criteria provided, single submitter. Criteria: Ambry Variant Classification Scheme 2023. Collection method: clinical testing. Allele origin: germline.
Comment: The p.C443Y variant (also known as c.1328G>A), located in coding exon 7 of the DICER1 gene, results from a G to A substitution at nucleotide position 1328. The cysteine at codon 443 is replaced by tyrosine, an amino acid with highly dissimilar properties. This amino acid position is conserved. In addition, this alteration is predicted to be deleterious by in silico analysis. Based on the available evidence, the clinical significance of this variant remains unclear.